The following is an entry in ClinVar:

ClinVar aggregate classification (germline): Uncertain significance (1 of 4 stars; one submission).

Allele frequency attached by ClinVar (database versions not stated): gnomAD 0.00001; TOPMed 0.00002.
gnomAD v4.1: 32 of 1,613,080 alleles (0.002%); highest among the groups gnomAD compares: South Asian, 0.0033%; no homozygotes.

Submission:

Labcorp Genetics (formerly Invitae), Labcorp
Classification: Uncertain significance. Last evaluated: 2025-06-15. Review status: criteria provided, single submitter. Criteria: Invitae Variant Classification Sherloc (09022015). Collection method: clinical testing. Allele origin: germline.
Comment: This sequence change replaces proline, which is neutral and non-polar, with leucine, which is neutral and non-polar, at codon 391 of the MKL1 protein (p.Pro391Leu). This variant is present in population databases (no rsID available, gnomAD 0.002%). This variant has not been reported in the literature in individuals affected with MKL1-related conditions. ClinVar contains an entry for this variant (Variation ID: 2727850). An algorithm developed to predict the effect of missense changes on protein structure and function (PolyPhen-2) suggests that this variant is likely to be disruptive. In summary, the available evidence is currently insufficient to determine the role of this variant in disease. Therefore, it has been classified as a Variant of Uncertain Significance.

NM_020831.6(MRTFA):c.1472C>T (p.Pro491Leu)

Gene: MRTFA (myocardin related transcription factor A; minus strand). Cytogenetic location: 22q13.1.
Variant type: single nucleotide variant.
Coding change: c.1472C>T on transcript NM_020831.6 (MANE Select); coding-DNA position 1472, C replaced by T.
Protein change: p.Pro491Leu; replaces proline 491 with leucine.
Molecular consequence: missense variant.
Genome position (GRCh38, 1-based): chr22:40,419,266, G>A on the plus strand (C>T on the coding strand, the complement: MRTFA is on the minus strand). VCF-style: chr22-40419266-G-A. GRCh37 (hg19) VCF-style: chr22-40815270-G-A.
Other names: c.1172C>T, p.Pro391Leu (NM_001282660.2); c.1322C>T, p.Pro441Leu (NM_001282661.3); c.1472C>T, p.Pro491Leu (NM_001282662.3); c.1277C>T, p.Pro426Leu (NM_001318139.2); short protein forms P426L, P391L, P491L, P441L.
Identifiers: ClinVar variation 2727850 (VCV002727850.3), dbSNP rs1391803001, ClinGen allele CA411662348.